The following is an entry in ClinVar:

NM_000168.6(GLI3):c.3154C>A (p.Pro1052Thr)

Gene: GLI3 (GLI family zinc finger 3; minus strand). Cytogenetic location: 7p14.1.
Variant type: single nucleotide variant.
Coding change: c.3154C>A on transcript NM_000168.6 (MANE Select); coding-DNA position 3154, C replaced by A.
Protein change: p.Pro1052Thr; replaces proline 1052 with threonine.
Molecular consequence: missense variant.
Genome position (GRCh38, 1-based): chr7:41,965,919, G>T on the plus strand (C>A on the coding strand, the complement: GLI3 is on the minus strand). VCF-style: chr7-41965919-G-T. GRCh37 (hg19) VCF-style: chr7-42005517-G-T.
Other names: short protein forms P1052T.
Identifiers: ClinVar variation 4794253 (VCV004794253.1).
Genomic context (GRCh38, chr7:41,965,919, plus strand): 5'-TCTCGGTGATGCTGGGAGGACAGGGGGACGAGTGGAAGTTTCGGGACTGGCCGCCCTCGG[G>T]CCGCGTGTAATTCTGAAGCACGAGACTGCGCTTCTCCGCGGACGTGGCCATCGCCGGGGG-3'
Protein context (NP_000159.3, residues 1042-1062): RSLVLQNYTR[Pro1052Thr]EGGQSRNFHS

ClinVar aggregate classification (germline): Uncertain significance (1 of 4 stars; one submission).

Conditions:
Pallister-Hall syndrome (PHS). Also called: HYPOTHALAMIC HAMARTOBLASTOMA, HYPOPITUITARISM, IMPERFORATE ANUS, AND POSTAXIAL POLYDACTYLY; GLI3-Related Pallister-Hall Syndrome. Identifiers: Orphanet 672, MedGen C0265220, MONDO:0007804, OMIM 146510.
Greig cephalopolysyndactyly syndrome (GCPS). Also called: POLYSYNDACTYLY WITH PECULIAR SKULL SHAPE; Greig syndrome; GLI3-Related Greig Cephalopolysyndactyly Syndrome. Identifiers: Orphanet 380, MedGen C0265306, MONDO:0008287, OMIM 175700.

gnomAD v4.1: 2 of 1,613,446 alleles (0.00012%); highest among the groups gnomAD compares: Non-Finnish European, 0.00017%; no homozygotes.

Submission:

Labcorp Genetics (formerly Invitae), Labcorp
Classification: Uncertain significance for Pallister-Hall syndrome; Greig cephalopolysyndactyly syndrome. Last evaluated: 2025-12-03. Review status: criteria provided, single submitter. Criteria: Invitae Variant Classification Sherloc (09022015). Collection method: clinical testing. Allele origin: germline.
Comment: This sequence change replaces proline, which is neutral and non-polar, with threonine, which is neutral and polar, at codon 1052 of the GLI3 protein (p.Pro1052Thr). This variant is not present in population databases (gnomAD no frequency). This variant has not been reported in the literature in individuals affected with GLI3-related conditions. Invitae Evidence Modeling of protein sequence and biophysical properties (such as structural, functional, and spatial information, amino acid conservation, physicochemical variation, residue mobility, and thermodynamic stability) indicates that this missense variant is not expected to disrupt GLI3 protein function with a negative predictive value of 95%. In summary, the available evidence is currently insufficient to determine the role of this variant in disease. Therefore, it has been classified as a Variant of Uncertain Significance.